The following is an entry in ClinVar:

ClinVar aggregate classification (germline): Benign/Likely benign. Review status: criteria provided, multiple submitters, no conflicts (2 of 4 stars). 2 submissions from 2 submitters: Benign (1); Likely benign (1). Last evaluated 2025-12-24.

Allele frequency attached by ClinVar (database versions not stated): gnomAD exomes 0.00043; ExAC 0.00051; gnomAD 0.00140 and 0.00141; TOPMed 0.00163; ESP Exome Variant Server 0.00192; 1000 Genomes Project 0.00220; 1000 Genomes Project 30x 0.00250.

Submissions (2):

Labcorp Genetics (formerly Invitae), Labcorp
Classification: Likely benign. Last evaluated: 2025-12-24. Review status: criteria provided, single submitter. Criteria: Invitae Variant Classification Sherloc (09022015). Collection method: clinical testing. Allele origin: germline.

Mayo Clinic Laboratories, Mayo Clinic
Classification: Benign. Last evaluated: 2024-12-13. Review status: criteria provided, single submitter. Criteria: ACMG Guidelines, 2015. Collection method: clinical testing. Allele origin: germline. Observed: 4 variant alleles.
Comment: BA1, BP4_moderate

NM_018060.4(IARS2):c.3019G>C (p.Glu1007Gln)

Gene: IARS2 (isoleucyl-tRNA synthetase 2, mitochondrial; plus strand). Cytogenetic location: 1q41.
Variant type: single nucleotide variant.
Coding change: c.3019G>C on transcript NM_018060.4 (MANE Select); coding-DNA position 3019, G replaced by C.
Protein change: p.Glu1007Gln; replaces glutamic acid 1007 with glutamine.
Molecular consequence: missense variant.
Genome position (GRCh38, 1-based): chr1:220,147,615, G>C. VCF-style: chr1-220147615-G-C. GRCh37 (hg19) VCF-style: chr1-220320957-G-C.
Other names: p.Glu1007Gln; short protein forms E1007Q.
Identifiers: ClinVar variation 791834 (VCV000791834.11), dbSNP rs141564642, ClinGen allele CA1401917.